The following is an entry in ClinVar:

NM_005670.4(EPM2A):c.962T>G (p.Phe321Cys)

Gene: EPM2A (EPM2A glucan phosphatase, laforin; minus strand). Cytogenetic location: 6q24.3.
Variant type: single nucleotide variant.
Coding change: c.962T>G on transcript NM_005670.4 (MANE Select); coding-DNA position 962, T replaced by G.
Protein change: p.Phe321Cys; replaces phenylalanine 321 with cysteine.
Molecular consequence: missense variant. On other transcripts: 3 prime UTR variant (1), non-coding transcript variant (1), intron variant (1).
Genome position (GRCh38, 1-based): chr6:145,627,450, A>C on the plus strand (T>G on the coding strand, the complement: EPM2A is on the minus strand). VCF-style: chr6-145627450-A-C. GRCh37 (hg19) VCF-style: chr6-145948586-A-C.
Other names: NM_005670.4(EPM2A):c.962T>G; p.Phe321Cys; c.*45T>G (NM_001360057.2); c.548T>G, p.Phe183Cys (NM_001360064.2, NM_001360071.2, NM_001368131.1); c.500T>G, p.Phe167Cys (NM_001368129.2, NM_001368132.1); c.924+38T>G (NM_001018041.2); short protein forms F183C, F167C, F321C.
Identifiers: ClinVar variation 1449816 (VCV001449816.9), dbSNP rs772620616, ClinGen allele CA4035032.

ClinVar aggregate classification (germline): Uncertain significance. Review status: criteria provided, multiple submitters, no conflicts (2 of 4 stars). 2 submissions from 2 submitters: Uncertain significance (2). Last evaluated 2025-01-03.

Conditions:
Progressive myoclonic epilepsy. Also called: Myoclonus epilepsy; Progressive myoclonus epilepsy; Familial progressive myoclonic epilepsy; Myoclonic Epilepsies, Progressive. Identifiers: Orphanet 308, Orphanet 98261, MedGen C0751778, MONDO:0020074.
Lafora disease. Also called: Epilepsy progressive myoclonic 2; Progressive Myoclonus Epilepsy, Lafora Type. Identifiers: Orphanet 501, MedGen C0751783, MONDO:0009697.

gnomAD v4.1: 23 of 1,614,188 alleles (0.0014%); highest among the groups gnomAD compares: South Asian, 0.025%; 1 homozygote.

Submissions (2):

Broad Center for Mendelian Genomics, Broad Institute of MIT and Harvard
Classification: Uncertain significance for Lafora disease. Last evaluated: 2025-01-03. Review status: criteria provided, single submitter. Criteria: ACMG Guidelines, 2015. Collection method: curation. Allele origin: germline. Inheritance: Autosomal recessive inheritance.
Comment: The p.Phe321Cys variant in EPM2A has been reported in 2 related individuals with Lafora disease (PMID: 27574708), and has been identified in 0.03% (23/86258) of South Asian chromosomes by the Genome Aggregation Database (gnomAD; dbSNP ID: rs772620616). Although this variant has been seen in the general population in a heterozygous state, its frequency is not high enough to rule out a pathogenic role. This variant has also been reported in ClinVar (Variation ID: 1449816) and has been interpreted as a variant of uncertain significance by Invitae. Of the 2 affected individuals, at least one of these was a homozygote which increases the likelihood that the p.Phe321Cys variant is pathogenic (PMID: 27574708). Computational prediction tools and conservation analyses suggest that this variant may impact the protein, though this information is not predictive enough to determine pathogenicity. In vitro functional studies provide some evidence that the p.Phe321Cys variant may slightly impact protein function (PMID: 34755096). However, these types of assays may not accurately represent biological function. The p.Phe321Cys variant is located in a region of EPM2A that is essential to protein folding and stability, suggesting that this variant is in a functional domain and slightly supports pathogenicity (PMID: 25544560, 34755096). In summary, while there is some suspicion for a pathogenic role, the clinical significance of this variant is uncertain. ACMG/AMP Criteria applied: PP3_moderate, PS3_supporting, PM1_supporting, PM3_supporting (Richards 2015).

Labcorp Genetics (formerly Invitae), Labcorp
Classification: Uncertain significance for Progressive myoclonic epilepsy. Last evaluated: 2021-03-25. Review status: criteria provided, single submitter. Criteria: Invitae Variant Classification Sherloc (09022015). Collection method: clinical testing. Allele origin: germline.
Comment: This variant has been observed in individual(s) with clinical features of progressive myoclonic epilepsy (PMID: 27574708). In summary, the available evidence is currently insufficient to determine the role of this variant in disease. Therefore, it has been classified as a Variant of Uncertain Significance. Algorithms developed to predict the effect of missense changes on protein structure and function are either unavailable or do not agree on the potential impact of this missense change (SIFT: "Deleterious"; PolyPhen-2: "Probably Damaging"; Align-GVGD: "Class C0"). This variant is present in population databases (rs772620616, ExAC 0.006%). This sequence change replaces phenylalanine with cysteine at codon 321 of the EPM2A protein (p.Phe321Cys). The phenylalanine residue is highly conserved and there is a large physicochemical difference between phenylalanine and cysteine.

Literature cited by the submitters: PubMed 25544560 (cited by Broad Center for Mendelian Genomics, Broad Institute of MIT and Harvard); PubMed 34755096 (cited by Broad Center for Mendelian Genomics, Broad Institute of MIT and Harvard); PubMed 27574708 (cited by Labcorp Genetics (formerly Invitae), Labcorp).